The following is an entry in ClinVar:

ClinVar aggregate classification (germline): Likely benign. Review status: criteria provided, multiple submitters, no conflicts (2 of 4 stars). 3 submissions from 3 submitters: Likely benign (3). Last evaluated 2025-08-10.

Conditions:
Joubert syndrome. Also called: JOUBERT-BOLTSHAUSER SYNDROME; Familial aplasia of the vermis. Identifiers: Orphanet 475, MedGen C5979921, MONDO:0018772.
AHI1-related disorder. Also called: AHI1-related condition.

Allele frequency attached by ClinVar (database versions not stated): gnomAD exomes 0.00001; TOPMed 0.00001; gnomAD 0.00002; ExAC 0.00004.
gnomAD v4.1: 13 of 1,560,344 alleles (0.00083%); highest among the groups gnomAD compares: Non-Finnish European, 0.0011%; no homozygotes.

Submissions (3):

PreventionGenetics, part of Exact Sciences
Classification: Likely benign for AHI1-related condition. Last evaluated: 2025-08-10. Review status: criteria provided, single submitter. Criteria: ACMG Guidelines, 2015. Collection method: clinical testing. Allele origin: germline.
Comment: This variant is classified as likely benign based on ACMG/AMP sequence variant interpretation guidelines (Richards et al. 2015 PMID: 25741868, with internal and published modifications).

Blueprint Genetics
Classification: Likely benign. Last evaluated: 2024-03-28. Review status: criteria provided, single submitter. Criteria: ACMG Guidelines, 2015. Collection method: clinical testing. Allele origin: germline.

Labcorp Genetics (formerly Invitae), Labcorp
Classification: Likely benign for Joubert syndrome. Last evaluated: 2024-02-16. Review status: criteria provided, single submitter. Criteria: Invitae Variant Classification Sherloc (09022015). Collection method: clinical testing. Allele origin: germline.

NM_001134831.2(AHI1):c.1425C>G (p.Ala475=)

Gene: AHI1 (Abelson helper integration site 1; minus strand). Cytogenetic location: 6q23.3.
Variant type: single nucleotide variant.
Coding change: c.1425C>G on transcript NM_001134831.2 (MANE Select); coding-DNA position 1425, C replaced by G.
Protein change: p.Ala475=; no amino-acid change (alanine 475 retained).
Molecular consequence: synonymous variant.
Genome position (GRCh38, 1-based): chr6:135,453,356, G>C on the plus strand (C>G on the coding strand, the complement: AHI1 is on the minus strand). VCF-style: chr6-135453356-G-C. GRCh37 (hg19) VCF-style: chr6-135774494-G-C.
Other names: c.1425C>G, p.Ala475= (NM_001134830.2, NM_001134832.2, NM_001350503.2 and 2 more transcripts).
Identifiers: ClinVar variation 530892 (VCV000530892.11), dbSNP rs749317327, ClinGen allele CA4012598.
Genomic context (GRCh38, chr6:135,453,356, plus strand): 5'-TTTGAAGACTAGTTTTAAAGTGTTTAAAATGGATGAAAAACATACCTTAAGAAATGCCCA[G>C]GCAATTTTCCGAAAGCCACATTCTTGGTTTTGAACCTCAGAATTATTCTTAATTTCATCC-3'
Protein context (NP_001128303.1, residues 465-485): QNQECGFRKI[Ala475=]WAFLKLLGAN